The following is an entry in ClinVar:

NM_198578.4(LRRK2):c.3999C>A (p.Asn1333Lys)

Gene: LRRK2 (leucine rich repeat kinase 2; plus strand). Cytogenetic location: 12q12.
Variant type: single nucleotide variant.
Coding change: c.3999C>A on transcript NM_198578.4 (MANE Select); coding-DNA position 3999, C replaced by A.
Protein change: p.Asn1333Lys; replaces asparagine 1333 with lysine.
Molecular consequence: missense variant.
Genome position (GRCh38, 1-based): chr12:40,308,506, C>A. VCF-style: chr12-40308506-C-A. GRCh37 (hg19) VCF-style: chr12-40702308-C-A.
Other names: c.3999C>A (NM_198578.3); short protein forms N1333K.
Identifiers: ClinVar variation 1401162 (VCV001401162.7), dbSNP rs2136814191, ClinGen allele CA384417532.
Genomic context (GRCh38, chr12:40,308,506, plus strand): 5'-TTTTTATCTTTCAAATACTAGGTTTCTTCAACAGCGATTAAAAAAGGCTGTGCCTTATAA[C>A]CGAATGAAACTTATGATTGTGGGAAATACTGGGAGTGGTAAAACCACCTTATTGCAGCAA-3'
Protein context (NP_940980.4, residues 1323-1343): QQRLKKAVPY[Asn1333Lys]RMKLMIVGNT

ClinVar aggregate classification (germline): Uncertain significance. Review status: criteria provided, multiple submitters, no conflicts (2 of 4 stars). 2 submissions from 2 submitters: Uncertain significance (2). Last evaluated 2024-08-22.

Conditions:
Inborn genetic diseases. Identifiers: MedGen C0950123, MeSH D030342.
Autosomal dominant Parkinson disease 8. Also called: LRRK2-Related Parkinson Disease; Parkinson disease 8; Parkinson disease 8, susceptibility to. Identifiers: Orphanet 411602, MedGen C1846862, MONDO:0011764, OMIM 607060.

Allele frequency attached by ClinVar (database versions not stated): gnomAD exomes below 0.00001.
gnomAD v4.1: 1 of 1,613,854 alleles (0.000062%); highest among the groups gnomAD compares: Non-Finnish European, 0.000085%; no homozygotes.

Submissions (2):

Ambry Genetics
Classification: Uncertain significance for Inborn genetic diseases. Last evaluated: 2024-08-22. Review status: criteria provided, single submitter. Criteria: Ambry Variant Classification Scheme 2023. Collection method: clinical testing. Allele origin: germline.
Comment: The p.N1333K variant (also known as c.3999C>A), located in coding exon 29 of the LRRK2 gene, results from a C to A substitution at nucleotide position 3999. The asparagine at codon 1333 is replaced by lysine, an amino acid with similar properties. This amino acid position is conserved. In addition, this alteration is predicted to be tolerated by in silico analysis. Based on the available evidence, the clinical significance of this variant remains unclear.

Labcorp Genetics (formerly Invitae), Labcorp
Classification: Uncertain significance for Autosomal dominant Parkinson disease 8. Last evaluated: 2021-11-27. Review status: criteria provided, single submitter. Criteria: Invitae Variant Classification Sherloc (09022015). Collection method: clinical testing. Allele origin: germline.
Comment: In summary, the available evidence is currently insufficient to determine the role of this variant in disease. Therefore, it has been classified as a Variant of Uncertain Significance. Algorithms developed to predict the effect of missense changes on protein structure and function are either unavailable or do not agree on the potential impact of this missense change (SIFT: "Tolerated"; PolyPhen-2: "Probably Damaging"; Align-GVGD: "Class C0"). This variant has not been reported in the literature in individuals affected with LRRK2-related conditions. This variant is not present in population databases (gnomAD no frequency). This sequence change replaces asparagine, which is neutral and polar, with lysine, which is basic and polar, at codon 1333 of the LRRK2 protein (p.Asn1333Lys).